The following is an entry in ClinVar:

NM_000070.3(CAPN3):c.379G>A (p.Gly127Arg)

Gene: CAPN3 (calpain 3; plus strand). Cytogenetic location: 15q15.1.
Variant type: single nucleotide variant.
Coding change: c.379G>A on transcript NM_000070.3 (MANE Select); coding-DNA position 379, G replaced by A.
Protein change: p.Gly127Arg; replaces glycine 127 with arginine.
Molecular consequence: missense variant.
Genome position (GRCh38, 1-based): chr15:42,384,552, G>A. VCF-style: chr15-42384552-G-A. GRCh37 (hg19) VCF-style: chr15-42676750-G-A.
Other names: c.379G>A, p.Gly127Arg (NM_024344.2, NM_173087.2); c.118G>A, p.Gly40Arg (NM_212464.2); c.118G>A, p.Asp40Asn (NM_212467.2); short protein forms D40N, G127R, G40R.
Identifiers: ClinVar variation 2444303 (VCV002444303.1), dbSNP rs2548252820, ClinGen allele CA391997448.

ClinVar aggregate classification (germline): Likely pathogenic (1 of 4 stars; one submission).

Conditions:
Autosomal recessive limb-girdle muscular dystrophy type 2A (LGMDR1). Also called: MUSCULAR DYSTROPHY, PELVOFEMORAL; Limb-girdle muscular dystrophy, type 2A; Calpainopathy; LEYDEN-MOEBIUS MUSCULAR DYSTROPHY; Muscular dystrophy, limb-girdle, type 2A, Amish. Identifiers: Orphanet 267, MedGen C1869123, MONDO:0009675, OMIM 253600. Disease mechanism: loss of function.

Submission:

3billion
Classification: Likely pathogenic for Autosomal recessive limb-girdle muscular dystrophy type 2A. Last evaluated: 2023-02-23. Review status: criteria provided, single submitter. Criteria: ACMG Guidelines, 2015. Collection method: clinical testing. Allele origin: unknown. Affected: yes.
Comment: The variant is not observed in the gnomAD v2.1.1 dataset. The variant is located in a mutational hot spot and/or well-established functional domain in which established pathogenic variants have been reported. In silico tool predictions suggest damaging effect of the variant on gene or gene product (REVEL: 0.98; 3Cnet: 0.97). A different missense change at the same codon (p.Gly127Glu) has been reported to be associated with CAPN3 related disorder (PMID: 27262448, 30056071). Therefore, this variant is classified as Likely pathogenic according to the recommendation of ACMG/AMP guideline.

Literature cited by the submitters: PubMed 27262448; PubMed 30056071.